The following is an entry in ClinVar:

ClinVar aggregate classification (germline): Uncertain significance. Review status: criteria provided, multiple submitters, no conflicts (2 of 4 stars). 2 submissions from 2 submitters: Uncertain significance (2). Last evaluated 2023-04-15.

Conditions:
Hereditary cancer-predisposing syndrome. Also called: Hereditary Cancer Syndrome; Neoplastic Syndromes, Hereditary; Tumor predisposition; Hereditary neoplastic syndrome. Identifiers: Orphanet 140162, MedGen C0027672, MeSH D009386, MONDO:0015356.
Rhabdoid tumor predisposition syndrome 2 (RTPS2). Identifiers: Orphanet 231108, Orphanet 69077, MedGen C2750074, MONDO:0013224, OMIM 613325.

Submissions (2):

Labcorp Genetics (formerly Invitae), Labcorp
Classification: Uncertain significance for Rhabdoid tumor predisposition syndrome 2. Last evaluated: 2023-04-15. Review status: criteria provided, single submitter. Criteria: Invitae Variant Classification Sherloc (09022015). Collection method: clinical testing. Allele origin: germline.
Comment: In summary, the available evidence is currently insufficient to determine the role of this variant in disease. Therefore, it has been classified as a Variant of Uncertain Significance. Advanced modeling of protein sequence and biophysical properties (such as structural, functional, and spatial information, amino acid conservation, physicochemical variation, residue mobility, and thermodynamic stability) performed at Invitae indicates that this missense variant is expected to disrupt SMARCA4 protein function. ClinVar contains an entry for this variant (Variation ID: 1746599). This variant has not been reported in the literature in individuals affected with SMARCA4-related conditions. This variant is not present in population databases (gnomAD no frequency). This sequence change replaces alanine, which is neutral and non-polar, with serine, which is neutral and polar, at codon 400 of the SMARCA4 protein (p.Ala400Ser).

Ambry Genetics
Classification: Uncertain significance for Hereditary cancer-predisposing syndrome. Last evaluated: 2020-02-28. Review status: criteria provided, single submitter. Criteria: Ambry Variant Classification Scheme 2023. Collection method: clinical testing. Allele origin: germline.
Comment: The p.A400S variant (also known as c.1198G>T), located in coding exon 6 of the SMARCA4 gene, results from a G to T substitution at nucleotide position 1198. The alanine at codon 400 is replaced by serine, an amino acid with similar properties. This amino acid position is highly conserved in available vertebrate species. Since supporting evidence is limited at this time, the clinical significance of this alteration remains unclear.

NM_003072.5(SMARCA4):c.1198G>T (p.Ala400Ser)

Gene: SMARCA4 (SWI/SNF related BAF chromatin remodeling complex subunit ATPase 4; plus strand). Cytogenetic location: 19p13.2.
Variant type: single nucleotide variant.
Coding change: c.1198G>T on transcript NM_003072.5 (MANE Select); coding-DNA position 1198, G replaced by T.
Protein change: p.Ala400Ser; replaces alanine 400 with serine.
Molecular consequence: missense variant. On other transcripts: non-coding transcript variant (1).
Genome position (GRCh38, 1-based): chr19:10,989,396, G>T. VCF-style: chr19-10989396-G-T. GRCh37 (hg19) VCF-style: chr19-11100072-G-T.
Other names: c.1198G>T, p.Ala400Ser (NM_001128844.3, NM_001128845.2, NM_001128846.2 and 6 more transcripts); short protein forms A400S.
Identifiers: ClinVar variation 1746599 (VCV001746599.5), dbSNP rs2145848962, ClinGen allele CA404059661.